The following is an entry in ClinVar:

ClinVar aggregate classification (germline): Uncertain significance (1 of 4 stars; one submission).

Conditions:
Spinocerebellar ataxia, autosomal recessive, with axonal neuropathy 2 (SCAN2). Also called: Ataxia-ocular apraxia-2; ATAXIA-OCULOMOTOR APRAXIA 2; Ataxia with Oculomotor Apraxia; Ataxia with Oculomotor Apraxia Type 2. Identifiers: Orphanet 64753, MedGen C1853761, MONDO:0018996, OMIM 606002.
Amyotrophic lateral sclerosis type 4 (ALS4). Also called: AMYOTROPHIC LATERAL SCLEROSIS 4, JUVENILE; NEURONOPATHY, DISTAL HEREDITARY MOTOR, WITH PYRAMIDAL FEATURES. Identifiers: Orphanet 357043, MedGen C1865409, MONDO:0011223, OMIM 602433.

gnomAD v4.1: 2 of 1,612,570 alleles (0.00012%); highest among the groups gnomAD compares: Non-Finnish European, 0.00017%; no homozygotes.

Submission:

Labcorp Genetics (formerly Invitae), Labcorp
Classification: Uncertain significance for Amyotrophic lateral sclerosis type 4; Spinocerebellar ataxia, autosomal recessive, with axonal neuropathy 2. Last evaluated: 2024-07-20. Review status: criteria provided, single submitter. Criteria: Invitae Variant Classification Sherloc (09022015). Collection method: clinical testing. Allele origin: germline.
Comment: This sequence change replaces asparagine, which is neutral and polar, with serine, which is neutral and polar, at codon 810 of the SETX protein (p.Asn810Ser). This variant is not present in population databases (gnomAD no frequency). This variant has not been reported in the literature in individuals affected with SETX-related conditions. Advanced modeling of protein sequence and biophysical properties (such as structural, functional, and spatial information, amino acid conservation, physicochemical variation, residue mobility, and thermodynamic stability) performed at Invitae indicates that this missense variant is not expected to disrupt SETX protein function with a negative predictive value of 95%. In summary, the available evidence is currently insufficient to determine the role of this variant in disease. Therefore, it has been classified as a Variant of Uncertain Significance.

NM_015046.7(SETX):c.2429A>G (p.Asn810Ser)

Gene: SETX (senataxin; minus strand). Cytogenetic location: 9q34.13.
Variant type: single nucleotide variant.
Coding change: c.2429A>G on transcript NM_015046.7 (MANE Select); coding-DNA position 2429, A replaced by G.
Protein change: p.Asn810Ser; replaces asparagine 810 with serine.
Molecular consequence: missense variant.
Genome position (GRCh38, 1-based): chr9:132,329,169, T>C on the plus strand (A>G on the coding strand, the complement: SETX is on the minus strand). VCF-style: chr9-132329169-T-C. GRCh37 (hg19) VCF-style: chr9-135204556-T-C.
Other names: c.2429A>G, p.Asn810Ser (NM_001351527.2, NM_001351528.2); short protein forms N810S.
Identifiers: ClinVar variation 3760581 (VCV003760581.2).